The following is an entry in ClinVar:

NC_000019.9:g.(?_42703590)_(42778729_?)del

Genes: ZNF526 (zinc finger protein 526; plus strand), GSK3A (glycogen synthase kinase 3 alpha; minus strand), DEDD2 (death effector domain containing 2; minus strand), ERF (ETS2 repressor factor; minus strand). Cytogenetic location: 19q13.2.
Variant type: Deletion.
Identifiers: ClinVar variation 1457848 (VCV001457848.5).

ClinVar aggregate classification (germline): Pathogenic (1 of 4 stars; one submission).

Conditions:
TWIST1-related craniosynostosis (CRS1). Also called: CRANIOSYNOSTOSIS 1. Identifiers: Orphanet 63440, MedGen C4551902, MONDO:0007399, OMIM 123100. Inheritance: Heterogenous inheritance pattern.

Submission:

Labcorp Genetics (formerly Invitae), Labcorp
Classification: Pathogenic for TWIST1-related craniosynostosis. Last evaluated: 2021-02-18. Review status: criteria provided, single submitter. Criteria: Invitae Variant Classification Sherloc (09022015). Collection method: clinical testing. Allele origin: germline.
Comment: For these reasons, this variant has been classified as Pathogenic. This variant has not been reported in the literature in individuals with ERF-related conditions. A gross deletion of the genomic region encompassing the full coding sequence of the ERF gene has been identified. Loss-of-function variants in ERF are known to be pathogenic (23354439, 28808027, 26097063). The boundaries of this event are unknown as they extend beyond the assayed region for this gene and therefore may encompass additional genes.